The following is an entry in ClinVar:

ClinVar aggregate classification (germline): Benign. Review status: criteria provided, multiple submitters, no conflicts (2 of 4 stars). 3 submissions from 3 submitters: Benign (3). Last evaluated 2026-01-12.

Conditions:
Microcytic anemia with liver iron overload. Also called: Anemia, hypochromic microcytic, with iron overload 1. Identifiers: Orphanet 83642, MedGen C3806153, MONDO:0008787, OMIM 206100.

Allele frequency attached by ClinVar (database versions not stated): 1000 Genomes Project 30x 0.00999; TOPMed 0.01053; gnomAD 0.01065 and 0.01123; 1000 Genomes Project 0.01078; ESP Exome Variant Server 0.01184; gnomAD exomes 0.01420; ExAC 0.01437.
gnomAD v4.1: 23,283 of 1,517,152 alleles (1.5%); highest among the groups gnomAD compares: South Asian, 2.8%; 271 homozygotes.

Submissions (20):

Labcorp Genetics (formerly Invitae), Labcorp
Classification: Benign. Last evaluated: 2026-01-12. Review status: criteria provided, single submitter. Criteria: Invitae Variant Classification Sherloc (09022015). Collection method: clinical testing. Allele origin: germline.

Illumina Laboratory Services, Illumina
Classification: Benign for Microcytic anemia with liver iron overload. Last evaluated: 2018-01-12. Review status: criteria provided, single submitter. Criteria: ICSL Variant Classification Criteria 13 December 2019. Collection method: clinical testing. Allele origin: germline.
Comment: This variant was observed in the ICSL laboratory as part of a predisposition screen in an ostensibly healthy population. It had not been previously curated by ICSL or reported in the Human Gene Mutation Database (HGMD: prior to June 1st, 2018), and was therefore a candidate for classification through an automated scoring system. Utilizing variant allele frequency, disease prevalence and penetrance estimates, and inheritance mode, an automated score was calculated to assess if this variant is too frequent to cause the disease. Based on the score and internal cut-off values, a variant classified as benign is not then subjected to further curation. The score for this variant resulted in a classification of benign for this disease.

Breakthrough Genomics
Classification: Benign. Review status: criteria provided, single submitter. Criteria: ACMG Guidelines, 2015. Collection method: not provided. Allele origin: germline. Inheritance: Autosomal recessive inheritance. Affected: yes.

Dr. Peter K. Rogan Lab, Western University
No classification provided (evidence only). Condition: Clear cell carcinoma of kidney. Review status: no classification provided. Collection method: in vitro. Allele origin: not applicable. Functional consequence: retained intron. Not counted in ClinVar's aggregate classification.

Dr. Peter K. Rogan Lab, Western University
No classification provided (evidence only). Condition: Clear cell carcinoma of kidney. Review status: no classification provided. Collection method: in vitro. Allele origin: not applicable. Functional consequence: retained intron. Not counted in ClinVar's aggregate classification.

Dr. Peter K. Rogan Lab, Western University
No classification provided (evidence only). Condition: Clear cell carcinoma of kidney. Review status: no classification provided. Collection method: in vitro. Allele origin: not applicable. Functional consequence: retained intron. Not counted in ClinVar's aggregate classification.

Dr. Peter K. Rogan Lab, Western University
No classification provided (evidence only). Condition: Lung cancer. Review status: no classification provided. Collection method: in vitro. Allele origin: not applicable. Functional consequence: retained intron. Not counted in ClinVar's aggregate classification.

Dr. Peter K. Rogan Lab, Western University
No classification provided (evidence only). Condition: Lung cancer. Review status: no classification provided. Collection method: in vitro. Allele origin: not applicable. Functional consequence: retained intron. Not counted in ClinVar's aggregate classification.

Dr. Peter K. Rogan Lab, Western University
No classification provided (evidence only). Condition: Lung cancer. Review status: no classification provided. Collection method: in vitro. Allele origin: not applicable. Functional consequence: retained intron. Not counted in ClinVar's aggregate classification.

Dr. Peter K. Rogan Lab, Western University
No classification provided (evidence only). Condition: Acute myeloid leukemia. Review status: no classification provided. Collection method: in vitro. Allele origin: not applicable. Functional consequence: retained intron. Not counted in ClinVar's aggregate classification.

Dr. Peter K. Rogan Lab, Western University
No classification provided (evidence only). Condition: Acute myeloid leukemia. Review status: no classification provided. Collection method: in vitro. Allele origin: not applicable. Functional consequence: retained intron. Not counted in ClinVar's aggregate classification.

Dr. Peter K. Rogan Lab, Western University
No classification provided (evidence only). Condition: Uterine corpus endometrial carcinoma. Review status: no classification provided. Collection method: in vitro. Allele origin: not applicable. Functional consequence: retained intron. Not counted in ClinVar's aggregate classification.

Dr. Peter K. Rogan Lab, Western University
No classification provided (evidence only). Condition: Cervical cancer. Review status: no classification provided. Collection method: in vitro. Allele origin: not applicable. Functional consequence: retained intron. Not counted in ClinVar's aggregate classification.

Dr. Peter K. Rogan Lab, Western University
No classification provided (evidence only). Condition: Cervical cancer. Review status: no classification provided. Collection method: in vitro. Allele origin: not applicable. Functional consequence: retained intron. Not counted in ClinVar's aggregate classification.

Dr. Peter K. Rogan Lab, Western University
No classification provided (evidence only). Condition: Malignant lymphoma, large B-cell, diffuse. Review status: no classification provided. Collection method: in vitro. Allele origin: not applicable. Functional consequence: retained intron. Not counted in ClinVar's aggregate classification.

Dr. Peter K. Rogan Lab, Western University
No classification provided (evidence only). Condition: Ovarian serous cystadenocarcinoma. Review status: no classification provided. Collection method: in vitro. Allele origin: not applicable. Functional consequence: retained intron. Not counted in ClinVar's aggregate classification.

Dr. Peter K. Rogan Lab, Western University
No classification provided (evidence only). Condition: Gastric cancer. Review status: no classification provided. Collection method: in vitro. Allele origin: not applicable. Functional consequence: retained intron. Not counted in ClinVar's aggregate classification.

Dr. Peter K. Rogan Lab, Western University
No classification provided (evidence only). Condition: Uterine carcinosarcoma. Review status: no classification provided. Collection method: in vitro. Allele origin: not applicable. Functional consequence: retained intron. Not counted in ClinVar's aggregate classification.

Dr. Peter K. Rogan Lab, Western University
No classification provided (evidence only). Condition: Malignant tumor of esophagus. Review status: no classification provided. Collection method: in vitro. Allele origin: not applicable. Functional consequence: skipped exon, retained intron. Not counted in ClinVar's aggregate classification.

Dr. Peter K. Rogan Lab, Western University
No classification provided (evidence only). Condition: Lymphoma. Review status: no classification provided. Collection method: in vitro. Allele origin: not applicable. Functional consequence: skipped exon. Not counted in ClinVar's aggregate classification.

NM_000617.3(SLC11A2):c.34+6T>G

Gene: SLC11A2 (solute carrier family 11 member 2; minus strand). Cytogenetic location: 12q13.12.
Variant type: single nucleotide variant.
Coding change: c.34+6T>G on transcript NM_000617.3 (MANE Select); 6 bases into the intron after coding-DNA position 34, T replaced by G.
Molecular consequence: intron variant.
Genome position (GRCh38, 1-based): chr12:51,010,689, A>C on the plus strand (T>G on the coding strand, the complement: SLC11A2 is on the minus strand). VCF-style: chr12-51010689-A-C. GRCh37 (hg19) VCF-style: chr12-51404472-A-C.
Other names: c.121+6T>G (NM_001379446.1, NM_001379455.1, NM_001174125.2); c.3+6T>G (NM_001414747.1, NM_001414748.1); c.34+6T>G (NM_001174127.2, NM_001414744.1, NM_001174126.2 and 5 more transcripts).
Identifiers: ClinVar variation 881287 (VCV000881287.14), dbSNP rs17216107, ClinGen allele CA6566908.